The following is an entry in ClinVar:

NM_020778.5(ALPK3):c.3665G>A (p.Ser1222Asn)

Gene: ALPK3 (alpha kinase 3; plus strand). Cytogenetic location: 15q25.3.
Variant type: single nucleotide variant.
Coding change: c.3665G>A on transcript NM_020778.5 (MANE Select); coding-DNA position 3665, G replaced by A.
Protein change: p.Ser1222Asn; replaces serine 1222 with asparagine.
Molecular consequence: missense variant.
Genome position (GRCh38, 1-based): chr15:84,858,403, G>A. VCF-style: chr15-84858403-G-A. GRCh37 (hg19) VCF-style: chr15-85401634-G-A.
Other names: short protein forms S1222N.
Identifiers: ClinVar variation 1484283 (VCV001484283.8), dbSNP rs1333183260, ClinGen allele CA393360714.
Genomic context (GRCh38, chr15:84,858,403, plus strand): 5'-CTGGGTCCCCAGGGACTCCAGGGCGGGAGAGACGCTCCCCTACGCAGGGCAGAAAGGCGA[G>A]CATGCTGGAGGTGCCTCGGGCAGAGGAGGAGCTGGCGGCAGGAGACCTGGGCCCCAGCCC-3'
Protein context (NP_065829.4, residues 1212-1232): RRSPTQGRKA[Ser1222Asn]MLEVPRAEEE

ClinVar aggregate classification (germline): Uncertain significance (1 of 4 stars; one submission).

Allele frequency attached by ClinVar (database versions not stated): TOPMed 0.00001; gnomAD exomes 0.00001 and below 0.00001.
gnomAD v4.1: 1 of 1,556,474 alleles (0.000064%); highest among the groups gnomAD compares: African/African-American, 0.0014%; no homozygotes.

Submission:

Labcorp Genetics (formerly Invitae), Labcorp
Classification: Uncertain significance. Last evaluated: 2022-11-15. Review status: criteria provided, single submitter. Criteria: Invitae Variant Classification Sherloc (09022015). Collection method: clinical testing. Allele origin: germline.
Comment: This sequence change replaces serine, which is neutral and polar, with asparagine, which is neutral and polar, at codon 1424 of the ALPK3 protein (p.Ser1424Asn). The frequency data for this variant in the population databases is considered unreliable, as metrics indicate poor data quality at this position in the gnomAD database. In summary, the available evidence is currently insufficient to determine the role of this variant in disease. Therefore, it has been classified as a Variant of Uncertain Significance. Algorithms developed to predict the effect of missense changes on protein structure and function (SIFT, PolyPhen-2, Align-GVGD) all suggest that this variant is likely to be tolerated. ClinVar contains an entry for this variant (Variation ID: 1484283). This variant has not been reported in the literature in individuals affected with ALPK3-related conditions.